The following is an entry in ClinVar:

ClinVar aggregate classification (germline): Uncertain significance. Review status: criteria provided, multiple submitters, no conflicts (2 of 4 stars). 2 submissions from 2 submitters: Uncertain significance (2). Last evaluated 2025-06-27.

Conditions:
Hereditary cancer-predisposing syndrome. Also called: Neoplastic Syndromes, Hereditary; Tumor predisposition; Hereditary neoplastic syndrome; Hereditary Cancer Syndrome. Identifiers: Orphanet 140162, MedGen C0027672, MeSH D009386, MONDO:0015356.
DICER1-related tumor predisposition. Also called: DICER1-related pleuropulmonary blastoma cancer predisposition syndrome; DICER1 syndrome. Identifiers: Orphanet 284343, MedGen C3839822, MONDO:0100216.

Submissions (2):

Ambry Genetics
Classification: Uncertain significance for Hereditary cancer-predisposing syndrome. Last evaluated: 2025-06-27. Review status: criteria provided, single submitter. Criteria: Ambry Variant Classification Scheme 2023. Collection method: clinical testing. Allele origin: germline.
Comment: The p.A1011T variant (also known as c.3031G>A), located in coding exon 18 of the DICER1 gene, results from a G to A substitution at nucleotide position 3031. The alanine at codon 1011 is replaced by threonine, an amino acid with similar properties. This amino acid position is conserved. In addition, the in silico prediction for this alteration is inconclusive. Based on the available evidence, the clinical significance of this variant remains unclear.

Labcorp Genetics (formerly Invitae), Labcorp
Classification: Uncertain significance for DICER1-related tumor predisposition. Last evaluated: 2024-01-06. Review status: criteria provided, single submitter. Criteria: Invitae Variant Classification Sherloc (09022015). Collection method: clinical testing. Allele origin: germline.
Comment: This sequence change replaces alanine, which is neutral and non-polar, with threonine, which is neutral and polar, at codon 1011 of the DICER1 protein (p.Ala1011Thr). This variant is not present in population databases (gnomAD no frequency). This variant has not been reported in the literature in individuals affected with DICER1-related conditions. Advanced modeling of protein sequence and biophysical properties (such as structural, functional, and spatial information, amino acid conservation, physicochemical variation, residue mobility, and thermodynamic stability) performed at Invitae indicates that this missense variant is not expected to disrupt DICER1 protein function with a negative predictive value of 80%. In summary, the available evidence is currently insufficient to determine the role of this variant in disease. Therefore, it has been classified as a Variant of Uncertain Significance.

NM_177438.3(DICER1):c.3031G>A (p.Ala1011Thr)

Gene: DICER1 (dicer 1, ribonuclease III; minus strand). Cytogenetic location: 14q32.13.
Variant type: single nucleotide variant.
Coding change: c.3031G>A on transcript NM_177438.3 (MANE Select); coding-DNA position 3031, G replaced by A.
Protein change: p.Ala1011Thr; replaces alanine 1011 with threonine.
Molecular consequence: missense variant. On other transcripts: non-coding transcript variant (6).
Genome position (GRCh38, 1-based): chr14:95,105,740, C>T on the plus strand (G>A on the coding strand, the complement: DICER1 is on the minus strand). VCF-style: chr14-95105740-C-T. GRCh37 (hg19) VCF-style: chr14-95572077-C-T.
Other names: c.3031G>A, p.Ala1011Thr (NM_001195573.1, NM_001271282.3, NM_001291628.2 and 13 more transcripts); c.2749G>A, p.Ala917Thr (NM_001395686.1); c.2626G>A, p.Ala876Thr (NM_001395687.1, NM_001395688.1, NM_001395689.1 and 2 more transcripts); c.2464G>A, p.Ala822Thr (NM_001395691.1); c.1348G>A, p.Ala450Thr (NM_001395697.1); short protein forms A1011T, A450T, A822T, A876T, A917T.
Identifiers: ClinVar variation 2897451 (VCV002897451.4), dbSNP rs2542774880, ClinGen allele CA390878353.